The following is an entry in ClinVar:

ClinVar aggregate classification (germline): Uncertain significance (1 of 4 stars; one submission).

Conditions:
Inborn genetic diseases. Identifiers: MedGen C0950123, MeSH D030342.

Allele frequency attached by ClinVar (database versions not stated): ExAC 0.00002; gnomAD 0.00002; gnomAD exomes 0.00002; TOPMed 0.00002.
gnomAD v4.1: 22 of 1,209,442 alleles (0.0018%); highest among the groups gnomAD compares: Non-Finnish European, 0.0022%; no homozygotes.

Submission:

Ambry Genetics
Classification: Uncertain significance for Inborn genetic diseases. Last evaluated: 2018-03-23. Review status: criteria provided, single submitter. Criteria: Ambry Variant Classification Scheme 2023. Collection method: clinical testing. Allele origin: germline.
Comment: The p.V196I variant (also known as c.586G>A), located in coding exon 2 of the NLGN4X gene, results from a G to A substitution at nucleotide position 586. The valine at codon 196 is replaced by isoleucine, an amino acid with highly similar properties. This amino acid position is highly conserved in available vertebrate species. In addition, this alteration is predicted to be tolerated by in silico analysis. Since supporting evidence is limited at this time, the clinical significance of this alteration remains unclear.

NM_181332.3(NLGN4X):c.586G>A (p.Val196Ile)

Gene: NLGN4X (neuroligin 4 X-linked; minus strand). Cytogenetic location: Xp22.32.
Variant type: single nucleotide variant.
Coding change: c.586G>A on transcript NM_181332.3 (MANE Select); coding-DNA position 586, G replaced by A.
Protein change: p.Val196Ile; replaces valine 196 with isoleucine.
Molecular consequence: missense variant.
Genome position (GRCh38, 1-based): chrX:6,029,319, C>T on the plus strand (G>A on the coding strand, the complement: NLGN4X is on the minus strand). VCF-style: chrX-6029319-C-T. GRCh37 (hg19) VCF-style: chrX-5947360-C-T.
Other names: c.586G>A, p.Val196Ile (NM_001282145.2, NM_001282146.2, NM_020742.4); short protein forms V196I.
Identifiers: ClinVar variation 1750181 (VCV001750181.2), dbSNP rs761485903, ClinGen allele CA10341164.